The following is an entry in ClinVar:

NM_030665.4(RAI1):c.1112C>A (p.Pro371His)

Gene: RAI1 (retinoic acid induced 1; plus strand). Cytogenetic location: 17p11.2.
Variant type: single nucleotide variant.
Coding change: c.1112C>A on transcript NM_030665.4 (MANE Select); coding-DNA position 1112, C replaced by A.
Protein change: p.Pro371His; replaces proline 371 with histidine.
Molecular consequence: missense variant.
Genome position (GRCh38, 1-based): chr17:17,794,060, C>A. VCF-style: chr17-17794060-C-A. GRCh37 (hg19) VCF-style: chr17-17697374-C-A.
Other names: short protein forms P371H.
Identifiers: ClinVar variation 2854290 (VCV002854290.3), dbSNP rs2508573721, ClinGen allele CA398546914.

ClinVar aggregate classification (germline): Uncertain significance (1 of 4 stars; one submission).

Allele frequency attached by ClinVar (database versions not stated): gnomAD exomes below 0.00001.
gnomAD v4.1: 1 of 1,614,034 alleles (0.000062%); highest among the groups gnomAD compares: South Asian, 0.0011%; no homozygotes.

Submission:

Labcorp Genetics (formerly Invitae), Labcorp
Classification: Uncertain significance. Last evaluated: 2023-04-09. Review status: criteria provided, single submitter. Criteria: Invitae Variant Classification Sherloc (09022015). Collection method: clinical testing. Allele origin: germline.
Comment: Advanced modeling of protein sequence and biophysical properties (such as structural, functional, and spatial information, amino acid conservation, physicochemical variation, residue mobility, and thermodynamic stability) performed at Invitae indicates that this missense variant is not expected to disrupt RAI1 protein function. In summary, the available evidence is currently insufficient to determine the role of this variant in disease. Therefore, it has been classified as a Variant of Uncertain Significance. This variant has not been reported in the literature in individuals affected with RAI1-related conditions. This variant is not present in population databases (gnomAD no frequency). This sequence change replaces proline, which is neutral and non-polar, with histidine, which is basic and polar, at codon 371 of the RAI1 protein (p.Pro371His).